The following is an entry in ClinVar:

NM_000574.5(CD55):c.617T>C (p.Ile206Thr)

Gene: CD55 (CD55 molecule (Cromer blood group); plus strand). Cytogenetic location: 1q32.2.
Variant type: single nucleotide variant.
Coding change: c.617T>C on transcript NM_000574.5 (MANE Select); coding-DNA position 617, T replaced by C.
Protein change: p.Ile206Thr; replaces isoleucine 206 with threonine.
Molecular consequence: missense variant. On other transcripts: non-coding transcript variant (1).
Genome position (GRCh38, 1-based): chr1:207,326,790, T>C. VCF-style: chr1-207326790-T-C. GRCh37 (hg19) VCF-style: chr1-207500135-T-C.
Other names: c.617T>C, p.Ile206Thr (NM_001114752.3, NM_001300902.2, NM_001300903.2 and 1 more transcripts); short protein forms I206T.
Identifiers: ClinVar variation 1446076 (VCV001446076.8), dbSNP rs1011846453, ClinGen allele CA36636273.

ClinVar aggregate classification (germline): Uncertain significance (1 of 4 stars; one submission).

Allele frequency attached by ClinVar (database versions not stated): gnomAD 0.00001; TOPMed 0.00001.

Submission:

Labcorp Genetics (formerly Invitae), Labcorp
Classification: Uncertain significance. Last evaluated: 2021-04-02. Review status: criteria provided, single submitter. Criteria: Invitae Variant Classification Sherloc (09022015). Collection method: clinical testing. Allele origin: germline.
Comment: This variant has not been reported in the literature in individuals with CD55-related conditions. This variant is not present in population databases (ExAC no frequency). This sequence change replaces isoleucine with threonine at codon 206 of the CD55 protein (p.Ile206Thr). The isoleucine residue is weakly conserved and there is a moderate physicochemical difference between isoleucine and threonine. Algorithms developed to predict the effect of missense changes on protein structure and function (SIFT, PolyPhen-2, Align-GVGD) all suggest that this variant is likely to be tolerated, but these predictions have not been confirmed by published functional studies and their clinical significance is uncertain. In summary, the available evidence is currently insufficient to determine the role of this variant in disease. Therefore, it has been classified as a Variant of Uncertain Significance.